The following is an entry in ClinVar:

ClinVar aggregate classification (germline): Uncertain significance (1 of 4 stars; one submission).

Conditions:
Zellweger spectrum disorders (ZS). Also called: Zellweger Spectrum Disorder; Zellweger Spectrum; Zellweger syndrome; Zellweger Spectrum Disorder (ZSD). Identifiers: Orphanet 912, MedGen C0043459, MONDO:0019609.

Submission:

Labcorp Genetics (formerly Invitae), Labcorp
Classification: Uncertain significance for Zellweger spectrum disorders. Last evaluated: 2021-02-25. Review status: criteria provided, single submitter. Criteria: Invitae Variant Classification Sherloc (09022015). Collection method: clinical testing. Allele origin: germline.
Comment: This variant has not been reported in the literature in individuals with PEX1-related conditions. This variant is not present in population databases (ExAC no frequency). This sequence change replaces valine with aspartic acid at codon 905 of the PEX1 protein (p.Val905Asp). The valine residue is moderately conserved and there is a large physicochemical difference between valine and aspartic acid. Algorithms developed to predict the effect of missense changes on protein structure and function (SIFT, PolyPhen-2, Align-GVGD) all suggest that this variant is likely to be disruptive, but these predictions have not been confirmed by published functional studies and their clinical significance is uncertain. In summary, the available evidence is currently insufficient to determine the role of this variant in disease. Therefore, it has been classified as a Variant of Uncertain Significance.

NM_000466.3(PEX1):c.2714T>A (p.Val905Asp)

Gene: PEX1 (peroxisomal biogenesis factor 1; minus strand). Cytogenetic location: 7q21.2.
Variant type: single nucleotide variant.
Coding change: c.2714T>A on transcript NM_000466.3 (MANE Select); coding-DNA position 2714, T replaced by A.
Protein change: p.Val905Asp; replaces valine 905 with aspartic acid.
Molecular consequence: missense variant.
Genome position (GRCh38, 1-based): chr7:92,499,708, A>T on the plus strand (T>A on the coding strand, the complement: PEX1 is on the minus strand). VCF-style: chr7-92499708-A-T. GRCh37 (hg19) VCF-style: chr7-92129022-A-T.
Other names: c.2543T>A, p.Val848Asp (NM_001282677.2); c.2090T>A, p.Val697Asp (NM_001282678.2); short protein forms V848D, V697D, V905D.
Identifiers: ClinVar variation 1513372 (VCV001513372.8), dbSNP rs2116132179, ClinGen allele CA368173112.